The following is an entry in ClinVar:

NM_000097.7(CPOX):c.151C>T (p.Pro51Ser)

Genes: CPOX (coproporphyrinogen oxidase; minus strand), LOC129937121 (ATAC-STARR-seq lymphoblastoid silent region 14560; plus strand). Cytogenetic location: 3q11.2.
Variant type: single nucleotide variant.
Coding change: c.151C>T on transcript NM_000097.7 (MANE Select); coding-DNA position 151, C replaced by T.
Protein change: p.Pro51Ser; replaces proline 51 with serine.
Molecular consequence: missense variant.
Genome position (GRCh38, 1-based): chr3:98,593,354, G>A on the plus strand (C>T on the coding strand, the complement: CPOX is on the minus strand). VCF-style: chr3-98593354-G-A. GRCh37 (hg19) VCF-style: chr3-98312198-G-A.
Other names: short protein forms P51S.
Identifiers: ClinVar variation 1431895 (VCV001431895.6), dbSNP rs1345695139, ClinGen allele CA353647042.
Genomic context (GRCh38, chr3:98,593,354, plus strand): 5'-CGCCTCTCGACGTCGAGCCGTGCCCCAGCCCGCGGCTCTGCTCCGTGCCAGCCGGGCCAG[G>A]GGGCCGGCAGACGCGTCCGGCTGCGCTGCGCTGGGACCAGGCTCGGAGCCCTCCGCCGCC-3'
Protein context (NP_000088.3, residues 41-61): RSAAGRVCRP[Pro51Ser]GPAGTEQSRG

ClinVar aggregate classification (germline): Uncertain significance (1 of 4 stars; one submission).

Allele frequency attached by ClinVar (database versions not stated): gnomAD 0.00001; gnomAD exomes 0.00001; TOPMed 0.00004.
gnomAD v4.1: 5 of 1,341,092 alleles (0.00037%); highest among the groups gnomAD compares: Admixed American, 0.016%; no homozygotes.

Submission:

Labcorp Genetics (formerly Invitae), Labcorp
Classification: Uncertain significance. Last evaluated: 2025-06-02. Review status: criteria provided, single submitter. Criteria: Invitae Variant Classification Sherloc (09022015). Collection method: clinical testing. Allele origin: germline.
Comment: This sequence change replaces proline, which is neutral and non-polar, with serine, which is neutral and polar, at codon 51 of the CPOX protein (p.Pro51Ser). This variant is present in population databases (no rsID available, gnomAD 0.1%). This missense change has been observed in individual(s) with autosomal dominant acute hepatic prophyria (internal data). ClinVar contains an entry for this variant (Variation ID: 1431895). An algorithm developed to predict the effect of missense changes on protein structure and function (PolyPhen-2) suggests that this variant is likely to be disruptive. In summary, the available evidence is currently insufficient to determine the role of this variant in disease. Therefore, it has been classified as a Variant of Uncertain Significance.